The following is an entry in ClinVar:

ClinVar aggregate classification (germline): Conflicting classifications of pathogenicity. Review status: criteria provided, conflicting classifications (1 of 4 stars). 4 submissions from 4 submitters: Uncertain significance (3); Likely benign (1). Last evaluated 2025-12-29.

Conditions:
Colorectal cancer, hereditary nonpolyposis, type 7. Identifiers: Orphanet 144, MedGen C1858380, MONDO:0013725, OMIM 614385.

Allele frequency attached by ClinVar (database versions not stated): gnomAD exomes below 0.00001.
gnomAD v4.1: 1 of 1,613,468 alleles (0.000062%); highest among the groups gnomAD compares: Middle Eastern, 0.017%; no homozygotes.

Submissions (4):

Center for Genomic Medicine, Rigshospitalet, Copenhagen University Hospital
Classification: Uncertain significance. Last evaluated: 2025-12-29. Review status: criteria provided, single submitter. Criteria: ACMG Guidelines, 2015. Collection method: clinical testing. Allele origin: germline.

Ambry Genetics
Classification: Uncertain significance. Last evaluated: 2025-02-09. Review status: criteria provided, single submitter. Criteria: Ambry Variant Classification Scheme 2023. Collection method: clinical testing. Allele origin: germline.

Blueprint Genetics
Classification: Likely benign. Last evaluated: 2024-11-07. Review status: criteria provided, single submitter. Criteria: ACMG Guidelines, 2015. Collection method: clinical testing. Allele origin: germline.

Labcorp Genetics (formerly Invitae), Labcorp
Classification: Uncertain significance for Colorectal cancer, hereditary nonpolyposis, type 7. Last evaluated: 2024-05-06. Review status: criteria provided, single submitter. Criteria: Invitae Variant Classification Sherloc (09022015). Collection method: clinical testing. Allele origin: germline.
Comment: This sequence change replaces asparagine, which is neutral and polar, with aspartic acid, which is acidic and polar, at codon 594 of the MLH3 protein (p.Asn594Asp). This variant is present in population databases (no rsID available, gnomAD 0.01%). This variant has not been reported in the literature in individuals affected with MLH3-related conditions. ClinVar contains an entry for this variant (Variation ID: 1779982). An algorithm developed to predict the effect of missense changes on protein structure and function (PolyPhen-2) suggests that this variant is likely to be tolerated. In summary, the available evidence is currently insufficient to determine the role of this variant in disease. Therefore, it has been classified as a Variant of Uncertain Significance.

NM_001040108.2(MLH3):c.1780A>G (p.Asn594Asp)

Gene: MLH3 (mutL homolog 3; minus strand). Cytogenetic location: 14q24.3.
Variant type: single nucleotide variant.
Coding change: c.1780A>G on transcript NM_001040108.2 (MANE Select); coding-DNA position 1780, A replaced by G.
Protein change: p.Asn594Asp; replaces asparagine 594 with aspartic acid.
Molecular consequence: missense variant.
Genome position (GRCh38, 1-based): chr14:75,047,876, T>C on the plus strand (A>G on the coding strand, the complement: MLH3 is on the minus strand). VCF-style: chr14-75047876-T-C. GRCh37 (hg19) VCF-style: chr14-75514579-T-C.
Other names: c.1780A>G, p.Asn594Asp (NM_014381.3); short protein forms N594D.
Identifiers: ClinVar variation 1779982 (VCV001779982.8), dbSNP rs1363963772, ClinGen allele CA390444326.